The following is an entry in ClinVar:

NM_002168.4(IDH2):c.629A>G (p.Tyr210Cys)

Gene: IDH2 (isocitrate dehydrogenase (NADP(+)) 2; minus strand). Cytogenetic location: 15q26.1.
Variant type: single nucleotide variant.
Coding change: c.629A>G on transcript NM_002168.4 (MANE Select); coding-DNA position 629, A replaced by G.
Protein change: p.Tyr210Cys; replaces tyrosine 210 with cysteine.
Molecular consequence: missense variant.
Genome position (GRCh38, 1-based): chr15:90,088,408, T>C on the plus strand (A>G on the coding strand, the complement: IDH2 is on the minus strand). VCF-style: chr15-90088408-T-C. GRCh37 (hg19) VCF-style: chr15-90631640-T-C.
Other names: c.473A>G, p.Tyr158Cys (NM_001289910.1); c.239A>G, p.Tyr80Cys (NM_001290114.2); short protein forms Y80C, Y158C, Y210C.
Identifiers: ClinVar variation 2813507 (VCV002813507.3), dbSNP rs1347554317, ClinGen allele CA393801977.

ClinVar aggregate classification (germline): Uncertain significance (1 of 4 stars; one submission).

Conditions:
D-2-hydroxyglutaric aciduria 2 (D2HGA2). Identifiers: Orphanet 79315, MedGen C3150909, MONDO:0013345, OMIM 613657.

Allele frequency attached by ClinVar (database versions not stated): gnomAD exomes below 0.00001.
gnomAD v4.1: 1 of 1,614,192 alleles (0.000062%); highest among the groups gnomAD compares: South Asian, 0.0011%; no homozygotes.

Submission:

Labcorp Genetics (formerly Invitae), Labcorp
Classification: Uncertain significance for D-2-hydroxyglutaric aciduria 2. Last evaluated: 2022-11-10. Review status: criteria provided, single submitter. Criteria: Invitae Variant Classification Sherloc (09022015). Collection method: clinical testing. Allele origin: germline.
Comment: In summary, the available evidence is currently insufficient to determine the role of this variant in disease. Therefore, it has been classified as a Variant of Uncertain Significance. This sequence change replaces tyrosine, which is neutral and polar, with cysteine, which is neutral and slightly polar, at codon 210 of the IDH2 protein (p.Tyr210Cys). This variant is present in population databases (no rsID available, gnomAD 0.003%). This variant has not been reported in the literature in individuals affected with IDH2-related conditions. Advanced modeling of protein sequence and biophysical properties (such as structural, functional, and spatial information, amino acid conservation, physicochemical variation, residue mobility, and thermodynamic stability) performed at Invitae indicates that this missense variant is not expected to disrupt IDH2 protein function.